The following is an entry in ClinVar:

NM_000504.4(F10):c.71-8C>T

Genes: F10 (coagulation factor X; plus strand), F10-AS1 (F10 antisense RNA 1; minus strand). Cytogenetic location: 13q34.
Variant type: single nucleotide variant.
Coding change: c.71-8C>T on transcript NM_000504.4 (MANE Select); 8 bases into the intron before coding-DNA position 71, C replaced by T.
Molecular consequence: intron variant.
Genome position (GRCh38, 1-based): chr13:113,129,444, C>T. VCF-style: chr13-113129444-C-T. GRCh37 (hg19) VCF-style: chr13-113783758-C-T.
Other names: c.71-8C>T (NM_001312675.2, NM_001312674.2).
Identifiers: ClinVar variation 708444 (VCV000708444.8), dbSNP rs374210821, ClinGen allele CA7060348.

ClinVar aggregate classification (germline): Benign/Likely benign. Review status: criteria provided, multiple submitters, no conflicts (2 of 4 stars). 3 submissions from 3 submitters: Benign (1); Likely benign (2). Last evaluated 2024-11-25.

Conditions:
Hereditary factor X deficiency disease. Also called: STUART-PROWER FACTOR DEFICIENCY; Congenital factor X deficiency. Identifiers: Orphanet 328, MedGen C0272327, MONDO:0009212, OMIM 227600.

Allele frequency attached by ClinVar (database versions not stated): gnomAD 0.00010 and 0.00044; TOPMed 0.00015; ESP Exome Variant Server 0.00031; gnomAD exomes 0.00122; ExAC 0.00142; 1000 Genomes Project 0.00300; 1000 Genomes Project 30x 0.00312.
gnomAD v4.1: 980 of 1,613,334 alleles (0.061%); highest among the groups gnomAD compares: South Asian, 0.87%; 5 homozygotes.

Submissions (3):

Blueprint Genetics
Classification: Likely benign. Last evaluated: 2024-11-25. Review status: criteria provided, single submitter. Criteria: ACMG Guidelines, 2015. Collection method: clinical testing. Allele origin: germline.

Labcorp Genetics (formerly Invitae), Labcorp
Classification: Benign. Last evaluated: 2018-12-20. Review status: criteria provided, single submitter. Criteria: Invitae Variant Classification Sherloc (09022015). Collection method: clinical testing. Allele origin: germline.

Illumina Laboratory Services, Illumina
Classification: Likely benign for Hereditary factor X deficiency disease. Last evaluated: 2018-01-12. Review status: criteria provided, single submitter. Criteria: ICSL Variant Classification Criteria 13 December 2019. Collection method: clinical testing. Allele origin: germline.
Comment: This variant was observed in the ICSL laboratory as part of a predisposition screen in an ostensibly healthy population. It had not been previously curated by ICSL or reported in the Human Gene Mutation Database (HGMD: prior to June 1st, 2018), and was therefore a candidate for classification through an automated scoring system. Utilizing variant allele frequency, disease prevalence and penetrance estimates, and inheritance mode, an automated score was calculated to assess if this variant is too frequent to cause the disease. Based on the score and internal cut-off values, a variant classified as likely benign is not then subjected to further curation. The score for this variant resulted in a classification of likely benign for this disease.